The following is an entry in ClinVar:

ClinVar aggregate classification (germline): Uncertain significance (1 of 4 stars; one submission).

Conditions:
Neurofibromatosis, type 1 (NF1). Also called: VON RECKLINGHAUSEN DISEASE; Peripheral type neurofibromatosis; NEUROFIBROMATOSIS, TYPE I, SOMATIC; Neurofibromatosis, type I. Identifiers: Orphanet 636, MedGen C0027831, MONDO:0018975, OMIM 162200. Disease mechanism: loss of function.

Submission:

Labcorp Genetics (formerly Invitae), Labcorp
Classification: Uncertain significance for Neurofibromatosis, type 1. Last evaluated: 2024-08-05. Review status: criteria provided, single submitter. Criteria: Invitae Variant Classification Sherloc (09022015). Collection method: clinical testing. Allele origin: germline.
Comment: This sequence change replaces lysine, which is basic and polar, with glutamine, which is neutral and polar, at codon 263 of the NF1 protein (p.Lys263Gln). This variant is not present in population databases (gnomAD no frequency). This variant has not been reported in the literature in individuals affected with NF1-related conditions. Advanced modeling of protein sequence and biophysical properties (such as structural, functional, and spatial information, amino acid conservation, physicochemical variation, residue mobility, and thermodynamic stability) performed at Invitae indicates that this missense variant is expected to disrupt NF1 protein function with a positive predictive value of 95%. In summary, the available evidence is currently insufficient to determine the role of this variant in disease. Therefore, it has been classified as a Variant of Uncertain Significance.

NM_001042492.3(NF1):c.787A>C (p.Lys263Gln)

Gene: NF1 (neurofibromin 1; plus strand). Cytogenetic location: 17q11.2.
Variant type: single nucleotide variant.
Coding change: c.787A>C on transcript NM_001042492.3 (MANE Select); coding-DNA position 787, A replaced by C.
Protein change: p.Lys263Gln; replaces lysine 263 with glutamine.
Molecular consequence: missense variant.
Genome position (GRCh38, 1-based): chr17:31,182,564, A>C. VCF-style: chr17-31182564-A-C. GRCh37 (hg19) VCF-style: chr17-29509582-A-C.
Other names: c.787A>C, p.Lys263Gln (NM_000267.4, NM_001128147.3); short protein forms K263Q.
Identifiers: ClinVar variation 3634489 (VCV003634489.2).
Genomic context (GRCh38, chr17:31,182,564, plus strand): 5'-GCAGAATGTGCAGAAAAGCTATTTGACTTGGTGGATGGTTTTGCTGAAAGCACCAAACGT[A>C]AAGCAGCAGTTTGGCCACTACAAATCATTCTCCTTATCTTGTGTCCAGAAATAATCCAGG-3'
Protein context (NP_001035957.1, residues 253-273): VDGFAESTKR[Lys263Gln]AAVWPLQIIL